The following is an entry in ClinVar:

ClinVar aggregate classification (germline): Likely benign. Review status: criteria provided, multiple submitters, no conflicts (2 of 4 stars). 2 submissions from 2 submitters: Likely benign (2). Last evaluated 2025-07-01.

gnomAD v4.1: 20 of 1,614,004 alleles (0.0012%); highest among the groups gnomAD compares: African/African-American, 0.017%; no homozygotes.

Submissions (2):

Labcorp Genetics (formerly Invitae), Labcorp
Classification: Likely benign. Last evaluated: 2025-07-01. Review status: criteria provided, single submitter. Criteria: Invitae Variant Classification Sherloc (09022015). Collection method: clinical testing. Allele origin: germline.

Mayo Clinic Laboratories, Mayo Clinic
Classification: Likely benign. Last evaluated: 2023-02-24. Review status: criteria provided, single submitter. Criteria: ACMG Guidelines, 2015. Collection method: clinical testing. Allele origin: germline. Observed: 2 variant alleles.
Comment: BP4, BP7

NM_001498.4(GCLC):c.1482C>T (p.Gly494=)

Genes: GCLC (glutamate-cysteine ligase catalytic subunit; minus strand), GCLC-AS1 (GCLC antisense RNA 1; plus strand). Cytogenetic location: 6p12.1.
Variant type: single nucleotide variant.
Coding change: c.1482C>T on transcript NM_001498.4 (MANE Select); coding-DNA position 1482, C replaced by T.
Protein change: p.Gly494=; no amino-acid change (glycine 494 retained).
Molecular consequence: synonymous variant.
Genome position (GRCh38, 1-based): chr6:53,500,346, G>A on the plus strand (C>T on the coding strand, the complement: GCLC is on the minus strand). VCF-style: chr6-53500346-G-A. GRCh37 (hg19) VCF-style: chr6-53365144-G-A.
Other names: p.Gly494=; c.1368C>T, p.Gly456= (NM_001197115.2).
Identifiers: ClinVar variation 3714184 (VCV003714184.3).